The following is an entry in ClinVar:

NM_015627.3(LDLRAP1):c.112_113del (p.Thr38fs)

Gene: LDLRAP1 (low density lipoprotein receptor adaptor protein 1; plus strand). Cytogenetic location: 1p36.11.
Variant type: Microsatellite.
Coding change: c.112_113del on transcript NM_015627.3 (MANE Select); coding-DNA positions 112 to 113, 2 bases deleted (AC; older notation c.112_113delAC).
Protein change: p.Thr38fs; shifts the reading frame from threonine 38.
Molecular consequence: frameshift variant.
Genome position (GRCh38, 1-based): chr1:25,553,945-25,553,946, AC deleted; deleting any 2 consecutive bases within chr1:25,553,943-25,553,946 gives the same sequence; the c. name uses the placement nearest the transcript's 3' end. VCF-style (leftmost placement, unchanged base first): chr1-25553942-GAC-G. GRCh37 (hg19) VCF-style: chr1-25880433-GAC-G.
Other names: short protein forms T38fs.
Identifiers: ClinVar variation 817252 (VCV000817252.11), dbSNP rs763778803, ClinGen allele CA695435.

ClinVar aggregate classification (germline): Pathogenic/Likely pathogenic. Review status: criteria provided, multiple submitters, no conflicts (2 of 4 stars). 5 submissions from 5 submitters: Pathogenic (1); Likely pathogenic (4). Last evaluated 2024-06-17.

Conditions:
Familial hypercholesterolemia. Also called: Familial hypercholesterolemias; Familial hypercholesterolaemia. Identifiers: MedGen C0020445, MONDO:0005439.
Hypercholesterolemia, familial, 4 (FHCL4). Also called: HYPERCHOLESTEROLEMIA, AUTOSOMAL RECESSIVE, 1; HYPERCHOLESTEROLEMIA, AUTOSOMAL RECESSIVE, 2. Identifiers: Orphanet 391665, MedGen C1863512, MONDO:0011374, OMIM 603813.

Submissions (5):

Natera, Inc.
Classification: Likely pathogenic for Familial hypercholesterolemia. Last evaluated: 2024-06-17. Review status: criteria provided, single submitter. Criteria: Natera Variant Classification Schema (03/2026). Collection method: clinical testing. Allele origin: germline.
Comment: The c.112_113delAC variant in LDLRAP1 is a frameshift variant predicted to shift the reading frame beginning at codon 38 and leads to a stop codon 26 codons downstream. This variant is expected to result in nonsense mediated decay, truncation, or a dysfunctional protein product. This variant is rare in the general population with a frequency below the threshold expected for the associated phenotype(s). Given the available evidence, this variant is classified as Likely Pathogenic.

Labcorp Genetics (formerly Invitae), Labcorp
Classification: Pathogenic for Hypercholesterolemia, familial, 4. Last evaluated: 2023-04-14. Review status: criteria provided, single submitter. Criteria: Invitae Variant Classification Sherloc (09022015). Collection method: clinical testing. Allele origin: germline.
Comment: For these reasons, this variant has been classified as Pathogenic. ClinVar contains an entry for this variant (Variation ID: 817252). This variant has not been reported in the literature in individuals affected with LDLRAP1-related conditions. This variant is present in population databases (rs763778803, gnomAD 0.0009%). This sequence change creates a premature translational stop signal (p.Thr38Alafs*26) in the LDLRAP1 gene. It is expected to result in an absent or disrupted protein product. Loss-of-function variants in LDLRAP1 are known to be pathogenic (PMID: 11326085, 12464675).

Genome-Nilou Lab
Classification: Likely pathogenic for Hypercholesterolemia, familial, 4. Last evaluated: 2023-04-11. Review status: criteria provided, single submitter. Criteria: ACMG Guidelines, 2015. Collection method: clinical testing. Allele origin: germline. Affected: no.

Fulgent Genetics
Classification: Likely pathogenic for Hypercholesterolemia, familial, 4. Last evaluated: 2021-09-22. Review status: criteria provided, single submitter. Criteria: ACMG Guidelines, 2015. Collection method: clinical testing. Allele origin: unknown.

GeneDx
Classification: Likely pathogenic. Last evaluated: 2018-10-01. Review status: criteria provided, single submitter. Criteria: GeneDx Variant Classification (06012015). Collection method: clinical testing. Allele origin: germline. Affected: yes.
Comment: Although the c.112_113delAC likely pathogenic variant in the LDLRAP1 gene has not been reported to our knowledge, this variant causes a shift in reading frame starting at codon threonine 38, changing it to an alanine, and creating a premature stop codon at position 26 of the new reading frame, denoted p.Thr38AlafsX26. This likely pathogenic variant is expected to result in either an abnormal, truncated protein product or loss of protein from this allele through nonsense-mediated mRNA decay. Other frameshift variants in the LDLRAP1 gene have been reported in Human Gene Mutation Database in association with AFH (Stenson et al., 2014), and loss of function is a mechanism of disease for this gene. Furthermore, the c.112_113delAC variant has not been observed at a significant frequency in large population cohorts (Lek et al., 2016).

Literature cited by the submitters: PubMed 11326085 (cited by Labcorp Genetics (formerly Invitae), Labcorp); PubMed 12464675 (cited by Labcorp Genetics (formerly Invitae), Labcorp).